The following is an entry in ClinVar:

p.M2434K

Variant type: protein only.
Other names: p.Met2434Lys.
Identifiers: ClinVar variation 65966 (VCV000065966.2).

ClinVar aggregate classification (germline): Pathogenic (0 of 4 stars; one submission).

Conditions:
Central core myopathy (CMYO1A). Also called: Central core disease; Myopathy, central fibrillar; CONGENITAL MYOPATHY 1A, AUTOSOMAL DOMINANT, WITH SUSCEPTIBILITY TO MALIGNANT HYPERTHERMIA. Identifiers: Orphanet 597, MedGen C5830701, MONDO:0007294, OMIM 117000.

Submission:

GeneReviews
Classification: Pathogenic for Central Core Disease. Last evaluated: 2010-05-11. Review status: no assertion criteria provided. Collection method: curation. Allele origin: unknown.
ClinVar note: Converted during submission from pathologic to Pathogenic.